The following is an entry in ClinVar:

NM_006389.5(HYOU1):c.408T>G (p.Phe136Leu)

Gene: HYOU1 (hypoxia up-regulated 1; minus strand). Cytogenetic location: 11q23.3.
Variant type: single nucleotide variant.
Coding change: c.408T>G on transcript NM_006389.5 (MANE Select); coding-DNA position 408, T replaced by G.
Protein change: p.Phe136Leu; replaces phenylalanine 136 with leucine.
Molecular consequence: missense variant.
Genome position (GRCh38, 1-based): chr11:119,055,196, A>C on the plus strand (T>G on the coding strand, the complement: HYOU1 is on the minus strand). VCF-style: chr11-119055196-A-C. GRCh37 (hg19) VCF-style: chr11-118925908-A-C.
Other names: c.408T>G, p.Phe136Leu (NM_001130991.3); short protein forms F136L.
Identifiers: ClinVar variation 1477790 (VCV001477790.8), dbSNP rs782490652, ClinGen allele CA229648853.

ClinVar aggregate classification (germline): Uncertain significance (1 of 4 stars; one submission).

Allele frequency attached by ClinVar (database versions not stated): gnomAD exomes 0.00001; TOPMed 0.00001; gnomAD 0.00002.
gnomAD v4.1: 17 of 1,613,766 alleles (0.0011%); highest among the groups gnomAD compares: Non-Finnish European, 0.0014%; no homozygotes.

Submission:

Labcorp Genetics (formerly Invitae), Labcorp
Classification: Uncertain significance. Last evaluated: 2023-02-16. Review status: criteria provided, single submitter. Criteria: Invitae Variant Classification Sherloc (09022015). Collection method: clinical testing. Allele origin: germline.
Comment: This variant is present in population databases (rs782490652, gnomAD 0.002%). This sequence change replaces phenylalanine, which is neutral and non-polar, with leucine, which is neutral and non-polar, at codon 136 of the HYOU1 protein (p.Phe136Leu). This variant has not been reported in the literature in individuals affected with HYOU1-related conditions. ClinVar contains an entry for this variant (Variation ID: 1477790). An algorithm developed to predict the effect of missense changes on protein structure and function (PolyPhen-2) suggests that this variant is likely to be disruptive. In summary, the available evidence is currently insufficient to determine the role of this variant in disease. Therefore, it has been classified as a Variant of Uncertain Significance.